The following is an entry in ClinVar:

ClinVar aggregate classification (germline): Likely benign (0 of 4 stars; one submission).

Conditions:
VKORC1-related disorder. Also called: VKORC1-related condition.

Allele frequency attached by ClinVar (database versions not stated): gnomAD 0.00005; TOPMed 0.00007.
gnomAD v4.1: 179 of 1,614,012 alleles (0.011%); highest among the groups gnomAD compares: Non-Finnish European, 0.014%; no homozygotes.

Submission:

PreventionGenetics, part of Exact Sciences
Classification: Likely benign for VKORC1-related condition. Last evaluated: 2020-01-30. Review status: no assertion criteria provided. Collection method: clinical testing. Allele origin: germline.
Comment: This variant is classified as likely benign based on ACMG/AMP sequence variant interpretation guidelines (Richards et al. 2015 PMID: 25741868, with internal and published modifications).

NM_024006.6(VKORC1):c.174-10C>T

Gene: VKORC1 (vitamin K epoxide reductase complex subunit 1; minus strand). Cytogenetic location: 16p11.2.
Variant type: single nucleotide variant.
Coding change: c.174-10C>T on transcript NM_024006.6 (MANE Select); 10 bases into the intron before coding-DNA position 174, C replaced by T.
Molecular consequence: intron variant.
Genome position (GRCh38, 1-based): chr16:31,093,431, G>A on the plus strand (C>T on the coding strand, the complement: VKORC1 is on the minus strand). VCF-style: chr16-31093431-G-A. GRCh37 (hg19) VCF-style: chr16-31104752-G-A.
Other names: c.173+1126C>T (NM_206824.3); c.174-10C>T (NM_001311311.2).
Identifiers: ClinVar variation 3051916 (VCV003051916.2), dbSNP rs766549609, ClinGen allele CA8021204.